The following is an entry in ClinVar:

ClinVar aggregate classification (germline): Uncertain significance (1 of 4 stars; one submission).

Submission:

Labcorp Genetics (formerly Invitae), Labcorp
Classification: Uncertain significance. Last evaluated: 2023-05-15. Review status: criteria provided, single submitter. Criteria: Invitae Variant Classification Sherloc (09022015). Collection method: clinical testing. Allele origin: germline.
Comment: ClinVar contains an entry for this variant (Variation ID: 2042007). This sequence change replaces isoleucine, which is neutral and non-polar, with methionine, which is neutral and non-polar, at codon 94 of the MAP3K20 protein (p.Ile94Met). This variant is not present in population databases (gnomAD no frequency). This variant has not been reported in the literature in individuals affected with MAP3K20-related conditions. Advanced modeling of protein sequence and biophysical properties (such as structural, functional, and spatial information, amino acid conservation, physicochemical variation, residue mobility, and thermodynamic stability) performed at Invitae indicates that this missense variant is not expected to disrupt MAP3K20 protein function. In summary, the available evidence is currently insufficient to determine the role of this variant in disease. Therefore, it has been classified as a Variant of Uncertain Significance.

NM_016653.3(MAP3K20):c.282T>G (p.Ile94Met)

Gene: MAP3K20 (mitogen-activated protein kinase kinase kinase 20; plus strand). Cytogenetic location: 2q31.1.
Variant type: single nucleotide variant.
Coding change: c.282T>G on transcript NM_016653.3 (MANE Select); coding-DNA position 282, T replaced by G.
Protein change: p.Ile94Met; replaces isoleucine 94 with methionine.
Molecular consequence: missense variant.
Genome position (GRCh38, 1-based): chr2:173,182,888, T>G. VCF-style: chr2-173182888-T-G. GRCh37 (hg19) VCF-style: chr2-174047616-T-G.
Other names: c.282T>G, p.Ile94Met (NM_133646.3); short protein forms I94M.
Identifiers: ClinVar variation 2042007 (VCV002042007.4), dbSNP rs2468134478, ClinGen allele CA349312665.